The following is an entry in ClinVar:

ClinVar aggregate classification (germline): Likely pathogenic. Review status: criteria provided, multiple submitters, no conflicts (2 of 4 stars). 4 submissions from 4 submitters: Likely pathogenic (2). 2 of the submissions do not count toward it. Last evaluated 2025-05-30.

Conditions:
Biotinidase deficiency. Also called: BTD deficiency; Late-onset biotin-responsive multiple carboxylase deficiency; Biotin deficiency. Identifiers: Orphanet 79241, MedGen C0220754, MONDO:0009665, OMIM 253260.
Inborn genetic diseases. Identifiers: MedGen C0950123, MeSH D030342.

Allele frequency attached by ClinVar (database versions not stated): gnomAD 0.00001; TOPMed 0.00001; ESP Exome Variant Server 0.00008.
gnomAD v4.1: 15 of 1,613,982 alleles (0.00093%); highest among the groups gnomAD compares: Non-Finnish European, 0.0013%; no homozygotes.

Submissions (4):

Ambry Genetics
Classification: Likely pathogenic for Inborn genetic diseases. Last evaluated: 2025-05-30. Review status: criteria provided, single submitter. Criteria: Ambry Variant Classification Scheme 2023. Collection method: clinical testing. Allele origin: germline.
Comment: The c.309+1G>T intronic variant results from a G to T substitution one nucleotide(s) after coding exon 2 of the BTD gene. The stop codon in the predicted resulting transcript occurs in the 5' end of the BTD gene. As such, this alteration may escape nonsense-mediated mRNA decay and/or be prone to rescue by reinitiation (Rivas, 2015; Lindeboom, 2016; Rhee, 2017). The exact functional effect of this alteration is unknown. Based on data from gnomAD, the T allele has an overall frequency of <0.001% (1/251170) total alleles studied. The highest observed frequency was 0.001% (1/113470) of European (non-Finnish) alleles. This nucleotide position is well conserved in available vertebrate species. In silico splice site analysis predicts that this alteration will weaken the native splice donor site. Based on the available evidence, this alteration is classified as likely pathogenic.

Labcorp Genetics (formerly Invitae), Labcorp
Classification: Likely pathogenic for Biotinidase deficiency. Last evaluated: 2024-05-15. Review status: criteria provided, single submitter. Criteria: Invitae Variant Classification Sherloc (09022015). Collection method: clinical testing. Allele origin: germline.
Comment: This sequence change affects a donor splice site in intron 2 of the BTD gene. It is expected to disrupt RNA splicing. Variants that disrupt the donor or acceptor splice site typically lead to a loss of protein function (PMID: 16199547), and loss-of-function variants in BTD are known to be pathogenic (PMID: 20083419). This variant is present in population databases (rs373249212, gnomAD 0.0009%). This variant has not been reported in the literature in individuals affected with BTD-related conditions. ClinVar contains an entry for this variant (Variation ID: 370921). Algorithms developed to predict the effect of sequence changes on RNA splicing suggest that this variant may disrupt the consensus splice site. In summary, the currently available evidence indicates that the variant is pathogenic, but additional data are needed to prove that conclusively. Therefore, this variant has been classified as Likely Pathogenic.

Natera, Inc.
Classification: Likely pathogenic for Biotinidase deficiency. Last evaluated: 2020-12-23. Review status: no assertion criteria provided. Collection method: clinical testing. Allele origin: germline. Not counted in ClinVar's aggregate classification.

Counsyl
Classification: Likely pathogenic for Biotinidase deficiency. Last evaluated: 2016-05-13. Review status: no assertion criteria provided. Collection method: clinical testing. Allele origin: unknown. Not counted in ClinVar's aggregate classification.

Literature cited by the submitters: PubMed 25954003 (cited by Ambry Genetics); PubMed 27618451 (cited by Ambry Genetics); PubMed 28490743 (cited by Ambry Genetics); PubMed 16199547 (cited by Labcorp Genetics (formerly Invitae), Labcorp); PubMed 20083419 (cited by Labcorp Genetics (formerly Invitae), Labcorp).

NM_001370658.1(BTD):c.249+1G>T

Gene: BTD (biotinidase; plus strand). Cytogenetic location: 3p25.1.
Variant type: single nucleotide variant.
Coding change: c.249+1G>T on transcript NM_001370658.1 (MANE Select); the canonical splice donor site of the intron after coding-DNA position 249, G replaced by T.
Molecular consequence: splice donor variant.
Genome position (GRCh38, 1-based): chr3:15,635,689, G>T. VCF-style: chr3-15635689-G-T. GRCh37 (hg19) VCF-style: chr3-15677196-G-T.
Other names: c.249+1G>T (NM_001407365.1, NM_001370752.1, NM_001370753.1 and 37 more transcripts); c.309+1G>T (NM_000060.4).
Identifiers: ClinVar variation 370921 (VCV000370921.10), dbSNP rs373249212, ClinGen allele CA2277279.